The following is an entry in ClinVar:

ClinVar aggregate classification (germline): Uncertain significance (1 of 4 stars; one submission).

Conditions:
Cystic fibrosis (CF). Also called: MUCOVISCIDOSIS. Identifiers: Orphanet 586, MedGen C0010674, MONDO:0009061, OMIM 219700. Disease mechanism: loss of function.

Allele frequency attached by ClinVar (database versions not stated): gnomAD 0.00001.
gnomAD v4.1: 2 of 1,612,896 alleles (0.00012%); no homozygotes.

Submission:

Ambry Genetics
Classification: Uncertain significance for Cystic fibrosis. Last evaluated: 2023-11-15. Review status: criteria provided, single submitter. Criteria: Ambry Variant Classification Scheme 2023. Collection method: clinical testing. Allele origin: germline.
Comment: The p.I1404V variant (also known as c.4210A>G), located in coding exon 26 of the CFTR gene, results from an A to G substitution at nucleotide position 4210. The isoleucine at codon 1404 is replaced by valine, an amino acid with highly similar properties. This amino acid position is conserved. In addition, this alteration is predicted to be tolerated by in silico analysis. Since supporting evidence is limited at this time, the clinical significance of this alteration remains unclear.

NM_000492.4(CFTR):c.4210A>G (p.Ile1404Val)

Gene: CFTR (CF transmembrane conductance regulator; plus strand). Cytogenetic location: 7q31.2.
Variant type: single nucleotide variant.
Coding change: c.4210A>G on transcript NM_000492.4 (MANE Select); coding-DNA position 4210, A replaced by G.
Protein change: p.Ile1404Val; replaces isoleucine 1404 with valine.
Molecular consequence: missense variant.
Genome position (GRCh38, 1-based): chr7:117,665,532, A>G. VCF-style: chr7-117665532-A-G. GRCh37 (hg19) VCF-style: chr7-117305586-A-G.
Other names: short protein forms I1404V.
Identifiers: ClinVar variation 3231908 (VCV003231908.1), dbSNP rs1793360004, ClinGen allele CA368983705.
Genomic context (GRCh38, chr7:117,665,532, plus strand): 5'-ATTAGAAGAACTCTAAAACAAGCATTTGCTGATTGCACAGTAATTCTCTGTGAACACAGG[A>G]TAGAAGCAATGCTGGAATGCCAACAATTTTTGGTGAGTCTTTATAACTTTACTTAAGATC-3'
Protein context (NP_000483.3, residues 1394-1414): DCTVILCEHR[Ile1404Val]EAMLECQQFL